The following is an entry in ClinVar:

ClinVar aggregate classification (germline): Likely benign (0 of 4 stars; one submission).

Conditions:
RTN4R-related disorder. Also called: RTN4R-related condition.

Allele frequency attached by ClinVar (database versions not stated): ESP Exome Variant Server 0.00008; gnomAD 0.00015; 1000 Genomes Project 30x 0.00016; 1000 Genomes Project 0.00020.

Submission:

PreventionGenetics, part of Exact Sciences
Classification: Likely benign for RTN4R-related condition. Last evaluated: 2019-11-04. Review status: no assertion criteria provided. Collection method: clinical testing. Allele origin: germline.
Comment: This variant is classified as likely benign based on ACMG/AMP sequence variant interpretation guidelines (Richards et al. 2015 PMID: 25741868, with internal and published modifications).

NM_023004.6(RTN4R):c.1087G>A (p.Val363Met)

Gene: RTN4R (reticulon 4 receptor; minus strand). Cytogenetic location: 22q11.21.
Variant type: single nucleotide variant.
Coding change: c.1087G>A on transcript NM_023004.6 (MANE Select); coding-DNA position 1087, G replaced by A.
Protein change: p.Val363Met; replaces valine 363 with methionine.
Molecular consequence: missense variant.
Genome position (GRCh38, 1-based): chr22:20,242,046, C>T on the plus strand (G>A on the coding strand, the complement: RTN4R is on the minus strand). VCF-style: chr22-20242046-C-T. GRCh37 (hg19) VCF-style: chr22-20229569-C-T.
Other names: short protein forms V363M.
Identifiers: ClinVar variation 3045366 (VCV003045366.2), dbSNP rs149231717, ClinGen allele CA10109448.